The following is an entry in ClinVar:

ClinVar aggregate classification (germline): Conflicting classifications of pathogenicity. Review status: criteria provided, conflicting classifications (1 of 4 stars). 4 submissions from 2 submitters: Uncertain significance (1); Benign (3). Last evaluated 2022-08-01.

Conditions:
Ectrodactyly, ectodermal dysplasia, and cleft lip-palate syndrome 3. Also called: EEC SYNDROME 3; Ectrodactyly, Ectodermal Dysplasia, Cleft Lip/Palate Syndrome 3 (EEC3); Ectrodactyly, Ectodermal Dysplasia, Clefting Syndrome; Ectrodactyly, Ectodermal Dysplasia, Clefting Syndrome Type 3 (EEC3). Identifiers: Orphanet 1896, MedGen C1858562, MONDO:0011428, OMIM 604292.
Orofacial cleft 8. Also called: Cleft lip with or without cleft palate, nonsyndromic, 8. Identifiers: MedGen C1851878, MONDO:0029145, OMIM 618149.
TP63-Related Spectrum Disorders.

Allele frequency attached by ClinVar (database versions not stated): 1000 Genomes Project 0.00180; 1000 Genomes Project 30x 0.00187; gnomAD 0.00285 and 0.00308; TOPMed 0.00341; gnomAD exomes 0.00351.
gnomAD v4.1: 620 of 197,250 alleles (0.31%); highest among the groups gnomAD compares: Middle Eastern, 0.87%; 2 homozygotes.

Submissions (4):

CeGaT Center for Human Genetics Tuebingen
Classification: Benign. Last evaluated: 2022-08-01. Review status: criteria provided, single submitter. Criteria: CeGaT Center For Human Genetics Tuebingen Variant Classification Criteria Version 2. Collection method: clinical testing. Allele origin: germline. Affected: yes. Observed: 2 variant alleles.
Comment: TP63: BS1, BS2

Illumina Laboratory Services, Illumina
Classification: Uncertain significance for Orofacial cleft 8. Last evaluated: 2018-01-13. Review status: criteria provided, single submitter. Criteria: ICSL Variant Classification Criteria 13 December 2019. Collection method: clinical testing. Allele origin: germline.

Illumina Laboratory Services, Illumina
Classification: Benign for Ectrodactyly, ectodermal dysplasia, and cleft lip-palate syndrome 3. Last evaluated: 2018-01-13. Review status: criteria provided, single submitter. Criteria: ICSL Variant Classification Criteria 13 December 2019. Collection method: clinical testing. Allele origin: germline.
Comment: This variant was observed in the ICSL laboratory as part of a predisposition screen in an ostensibly healthy population. It had not been previously curated by ICSL or reported in the Human Gene Mutation Database (HGMD: prior to June 1st, 2018), and was therefore a candidate for classification through an automated scoring system. Utilizing variant allele frequency, disease prevalence and penetrance estimates, and inheritance mode, an automated score was calculated to assess if this variant is too frequent to cause the disease. Based on the score and internal cut-off values, a variant classified as benign is not then subjected to further curation. The score for this variant resulted in a classification of benign for this disease.

Illumina Laboratory Services, Illumina
Classification: Benign for TP63-Related Spectrum Disorders. Last evaluated: 2018-01-13. Review status: criteria provided, single submitter. Criteria: ICSL Variant Classification Criteria 13 December 2019. Collection method: clinical testing. Allele origin: germline.
Comment: the same text as in the submission from Illumina Laboratory Services, Illumina above.

NM_003722.5(TP63):c.*1939T>G

Gene: TP63 (tumor protein p63; plus strand). Cytogenetic location: 3q28.
Variant type: single nucleotide variant.
Coding change: c.*1939T>G on transcript NM_003722.5 (MANE Select); 1939 bases downstream of the stop codon, T replaced by G.
Molecular consequence: 3 prime UTR variant.
Genome position (GRCh38, 1-based): chr3:189,896,441, T>G. VCF-style: chr3-189896441-T-G. GRCh37 (hg19) VCF-style: chr3-189614230-T-G.
Other names: c.*2220T>G (NM_001114978.2, NM_001114981.2); c.*1939T>G (NM_001114980.2, NM_001329146.2, NM_001329148.2 and 1 more transcripts); c.*2210T>G (NM_001329144.2, NM_001329145.2, NM_001329149.2 and 1 more transcripts).
Identifiers: ClinVar variation 344419 (VCV000344419.30), dbSNP rs567626735, ClinGen allele CA10618241.